The following is an entry in ClinVar:

ClinVar aggregate classification (germline): Uncertain significance (1 of 4 stars; one submission).

Conditions:
Neuronopathy, distal hereditary motor, type 5C. Also called: NEURONOPATHY, DISTAL HEREDITARY MOTOR, AUTOSOMAL DOMINANT 13; NEURONOPATHY, DISTAL HEREDITARY MOTOR, HARDING TYPE VC; NEUROPATHY, DISTAL HEREDITARY MOTOR, HARDING TYPE VC; SPINAL MUSCULAR ATROPHY, DISTAL, HARDING TYPE VC; DHMN VC. Identifiers: MedGen C5436838, MONDO:0030860, OMIM 619112.

Allele frequency attached by ClinVar (database versions not stated): gnomAD exomes below 0.00001; ExAC 0.00001.
gnomAD v4.1: 1 of 1,614,210 alleles (0.000062%); highest among the groups gnomAD compares: Non-Finnish European, 0.000085%; no homozygotes.

Submission:

MGZ Medical Genetics Center
Classification: Uncertain significance for Neuronopathy, distal hereditary motor, type 5C. Last evaluated: 2022-03-24. Review status: criteria provided, single submitter. Criteria: ACMG Guidelines, 2015. Collection method: clinical testing. Allele origin: germline. Affected: yes. Observed: 1 variant allele.
Comment: ACMG criteria applied: PM2_SUP, PP3

NM_001122955.4(BSCL2):c.935T>C (p.Val312Ala)

Genes: BSCL2 (BSCL2 lipid droplet biogenesis associated, seipin; minus strand), HNRNPUL2-BSCL2 (HNRNPUL2-BSCL2 readthrough (NMD candidate); minus strand). Cytogenetic location: 11q12.3.
Variant type: single nucleotide variant.
Coding change: c.935T>C on transcript NM_001122955.4 (MANE Select); coding-DNA position 935, T replaced by C.
Protein change: p.Val312Ala; replaces valine 312 with alanine.
Molecular consequence: missense variant. On other transcripts: non-coding transcript variant (1), intron variant (1).
Genome position (GRCh38, 1-based): chr11:62,691,350, A>G on the plus strand (T>C on the coding strand, the complement: BSCL2 is on the minus strand). VCF-style: chr11-62691350-A-G. GRCh37 (hg19) VCF-style: chr11-62458822-A-G.
Other names: c.935T>C, p.Val312Ala (NM_001386027.1, NM_001386028.1); c.743T>C, p.Val248Ala (NM_032667.6); c.672-209T>C (NM_001130702.2); short protein forms V248A, V312A.
Identifiers: ClinVar variation 1709927 (VCV001709927.2), dbSNP rs754969234, ClinGen allele CA6053404.
Genomic context (GRCh38, chr11:62,691,350, plus strand): 5'-AAGCGGTGTCGGGGCCAGATGCCCCCCCACACCCACTGCATGTAGCTGAAGAGCACGATG[A>G]CGCTGAGGAAGGTGAAGTTGCTGGCAACACCTATGAAGGCGCAGGTCATCGGGAAGTTGT-3'
Protein context (NP_001116427.1, residues 302-322): GVASNFTFLS[Val312Ala]IVLFSYMQWV